The following is an entry in ClinVar:

NM_020937.4(FANCM):c.760-8T>A

Gene: FANCM (FA complementation group M; plus strand). Cytogenetic location: 14q21.2.
Variant type: single nucleotide variant.
Coding change: c.760-8T>A on transcript NM_020937.4 (MANE Select); 8 bases into the intron before coding-DNA position 760, T replaced by A.
Molecular consequence: intron variant.
Genome position (GRCh38, 1-based): chr14:45,148,829, T>A. VCF-style: chr14-45148829-T-A. GRCh37 (hg19) VCF-style: chr14-45618032-T-A.
Other names: c.682-8T>A (NM_001308133.2); c.760-8T>A (NM_001308134.2).
Identifiers: ClinVar variation 1707893 (VCV001707893.2), dbSNP rs1886615311, ClinGen allele CA2580088107.

ClinVar aggregate classification (germline): Uncertain significance (1 of 4 stars; one submission).

Submission:

GeneDx
Classification: Uncertain significance. Last evaluated: 2022-03-28. Review status: criteria provided, single submitter. Criteria: GeneDx Variant Classification Process June 2021. Collection method: clinical testing. Allele origin: germline. Affected: yes.
Comment: In silico analysis, which includes splice predictors and evolutionary conservation, suggests this variant may impact gene splicing. In the absence of RNA/functional studies, the actual effect of this sequence change is unknown.; Not observed at significant frequency in large population cohorts (gnomAD); Has not been previously published as pathogenic or benign to our knowledge